The following is an entry in ClinVar:

NM_005502.4(ABCA1):c.1333_1338dup (p.Asp446_His447insAsnAsp)

Gene: ABCA1 (ATP binding cassette subfamily A member 1; minus strand). Cytogenetic location: 9q31.1.
Variant type: Duplication.
Coding change: c.1333_1338dup on transcript NM_005502.4 (MANE Select); coding-DNA positions 1333 to 1338, 6 bases duplicated (AATGAC; older notation c.1333_1338dupAATGAC).
Protein change: p.Asp446_His447insAsnAsp.
Molecular consequence: inframe insertion.
Genome position (GRCh38, 1-based): chr9:104,832,745-104,832,750, GTCATT duplicated on the plus strand (AATGAC on the coding strand, the reverse complement: ABCA1 is on the minus strand); duplicating any 6 consecutive bases within chr9:104,832,745-104,832,753 gives the same sequence; the c. name uses the placement nearest the transcript's 3' end. VCF-style (leftmost placement, unchanged base first): chr9-104832744-G-GGTCATT. GRCh37 (hg19) VCF-style: chr9-107595025-G-GGTCATT.
Identifiers: ClinVar variation 2621253 (VCV002621253.2), dbSNP rs2538183118, ClinGen allele CA2582341680.

ClinVar aggregate classification (germline): Uncertain significance (1 of 4 stars; one submission).

Conditions:
Cardiovascular phenotype. Identifiers: MedGen CN230736.

Submission:

Ambry Genetics
Classification: Uncertain significance for Cardiovascular phenotype. Last evaluated: 2023-08-28. Review status: criteria provided, single submitter. Criteria: Ambry Variant Classification Scheme 2023. Collection method: clinical testing. Allele origin: germline.
Comment: The c.1333_1338dupAATGAC (p.N445_D446dup) alteration is located in exon 12 (coding exon 11) of the ABCA1 gene. The alteration consists of an in-frame duplication of 6 nucleotides from position 1333 to 1338, resulting in the duplication of <NA> residues. Based on insufficient or conflicting evidence, the clinical significance of this alteration remains unclear.